The following is an entry in ClinVar:

NM_014271.4(IL1RAPL1):c.680_681delinsCT (p.Arg227Thr)

Gene: IL1RAPL1 (interleukin 1 receptor accessory protein like 1; plus strand). Cytogenetic location: Xp21.2.
Variant type: Indel.
Coding change: c.680_681delinsCT on transcript NM_014271.4 (MANE Select); coding-DNA positions 680 to 681, GA replaced by CT.
Protein change: p.Arg227Thr; replaces arginine 227 with threonine.
Molecular consequence: missense variant.
Genome position (GRCh38, 1-based): chrX:29,399,285-29,399,286, GA replaced by CT. VCF-style: chrX-29399285-GA-CT. GRCh37 (hg19) VCF-style: chrX-29417402-GA-CT.
Other names: short protein forms R227T.
Identifiers: ClinVar variation 3371570 (VCV003371570.1).

ClinVar aggregate classification (germline): Uncertain significance (1 of 4 stars; one submission).

Submission:

GeneDx
Classification: Uncertain significance. Last evaluated: 2024-03-25. Review status: criteria provided, single submitter. Criteria: GeneDx Variant Classification Process June 2021. Collection method: clinical testing. Allele origin: germline. Affected: yes.
Comment: Not observed at significant frequency in large population cohorts (gnomAD); In silico analysis supports a deleterious effect on protein structure/function; Has not been previously published as pathogenic or benign to our knowledge